The following is an entry in ClinVar:

NM_001128840.3(CACNA1D):c.3689C>G (p.Ser1230Cys)

Gene: CACNA1D (calcium voltage-gated channel subunit alpha1 D; plus strand). Cytogenetic location: 3p21.1.
Variant type: single nucleotide variant.
Coding change: c.3689C>G on transcript NM_001128840.3 (MANE Select); coding-DNA position 3689, C replaced by G.
Protein change: p.Ser1230Cys; replaces serine 1230 with cysteine.
Molecular consequence: missense variant.
Genome position (GRCh38, 1-based): chr3:53,753,585, C>G. VCF-style: chr3-53753585-C-G. GRCh37 (hg19) VCF-style: chr3-53787612-C-G.
Other names: c.3749C>G, p.Ser1250Cys (NM_000720.4); c.3689C>G, p.Ser1230Cys (NM_001128839.3); short protein forms S1250C, S1230C.
Identifiers: ClinVar variation 1505543 (VCV001505543.6), dbSNP rs1206899042, ClinGen allele CA353251516.

ClinVar aggregate classification (germline): Uncertain significance (1 of 4 stars; one submission).

Allele frequency attached by ClinVar (database versions not stated): gnomAD exomes below 0.00001; gnomAD 0.00001; TOPMed 0.00001.
gnomAD v4.1: 6 of 1,607,412 alleles (0.00037%); highest among the groups gnomAD compares: Non-Finnish European, 0.00051%; no homozygotes.

Submission:

Labcorp Genetics (formerly Invitae), Labcorp
Classification: Uncertain significance. Last evaluated: 2025-08-24. Review status: criteria provided, single submitter. Criteria: Invitae Variant Classification Sherloc (09022015). Collection method: clinical testing. Allele origin: germline.
Comment: This sequence change replaces serine, which is neutral and polar, with cysteine, which is neutral and slightly polar, at codon 1250 of the CACNA1D protein (p.Ser1250Cys). This variant is not present in population databases (gnomAD no frequency). This variant has not been reported in the literature in individuals affected with CACNA1D-related conditions. ClinVar contains an entry for this variant (Variation ID: 1505543). Invitae Evidence Modeling of protein sequence and biophysical properties (such as structural, functional, and spatial information, amino acid conservation, physicochemical variation, residue mobility, and thermodynamic stability) indicates that this missense variant is expected to disrupt CACNA1D protein function with a positive predictive value of 80%. In summary, the available evidence is currently insufficient to determine the role of this variant in disease. Therefore, it has been classified as a Variant of Uncertain Significance.